The following is an entry in ClinVar:

ClinVar aggregate classification (germline): Pathogenic (1 of 4 stars; one submission).

Conditions:
Tuberous sclerosis 1 (TSC1). Identifiers: Orphanet 805, MedGen C1854465, MONDO:0008612, OMIM 191100.

Submission:

Labcorp Genetics (formerly Invitae), Labcorp
Classification: Pathogenic for Tuberous sclerosis 1. Last evaluated: 2022-03-10. Review status: criteria provided, single submitter. Criteria: Invitae Variant Classification Sherloc (09022015). Collection method: clinical testing. Allele origin: germline.
Comment: This variant has not been reported in the literature in individuals affected with TSC1-related conditions. This variant is not present in population databases (gnomAD no frequency). This sequence change creates a premature translational stop signal (p.Ile97Lysfs*9) in the TSC1 gene. It is expected to result in an absent or disrupted protein product. Loss-of-function variants in TSC1 are known to be pathogenic (PMID: 10227394, 17304050). For these reasons, this variant has been classified as Pathogenic.

Literature cited by the submitters: PubMed 10227394; PubMed 17304050.

NM_000368.5(TSC1):c.290_291del (p.Ile97fs)

Gene: TSC1 (TSC complex subunit 1; minus strand). Cytogenetic location: 9q34.13.
Variant type: Deletion.
Coding change: c.290_291del on transcript NM_000368.5 (MANE Select); coding-DNA positions 290 to 291, 2 bases deleted (TA; older notation c.290_291delTA).
Protein change: p.Ile97fs; shifts the reading frame from isoleucine 97.
Molecular consequence: frameshift variant. On other transcripts: 5 prime UTR variant (1), intron variant (1).
Genome position (GRCh38, 1-based): chr9:132,925,659-132,925,660, TA deleted on the plus strand (TA on the coding strand, the reverse complement: TSC1 is on the minus strand); deleting any 2 consecutive bases within chr9:132,925,659-132,925,661 gives the same sequence; the c. name uses the placement nearest the transcript's 3' end. VCF-style (leftmost placement, unchanged base first): chr9-132925658-TTA-T. GRCh37 (hg19) VCF-style: chr9-135801045-TTA-T.
Other names: c.290_291del, p.Ile97fs (NM_001162426.2); c.-74_-73del (NM_001362177.2); c.289_290delAT, p.Ile97Lysfs (NM_001406592.1, NM_001406593.1, NM_001406594.1 and 15 more transcripts); c.-167_-166delAT (NM_001406614.1, NM_001406616.1, NM_001406624.1); c.-200_-199delAT (NM_001406615.1, NM_001406623.1); c.-75_-74delAT (NM_001406617.1, NM_001406618.1, NM_001406619.1 and 4 more transcripts); c.-589_-588delAT (NM_001406626.1, NM_001406627.1, NM_001406628.1); c.-731_-730delAT (NM_001406629.1); and 2 more; short protein forms I97fs.
Identifiers: ClinVar variation 2108375 (VCV002108375.4), dbSNP rs2539074367, ClinGen allele CA2580080079.